The following is an entry in ClinVar:

ClinVar aggregate classification (germline): Benign (1 of 4 stars; one submission).

Conditions:
Tuberous sclerosis 2 (TSC2). Identifiers: Orphanet 805, MedGen C1860707, MONDO:0013199, OMIM 613254.

Submission:

Myriad Genetics, Inc.
Classification: Benign for Tuberous sclerosis 2. Last evaluated: 2025-06-03. Review status: criteria provided, single submitter. Criteria: Myriad Autosomal Dominant, Autosomal Recessive and X-Linked Classification Criteria (2023). Collection method: clinical testing. Allele origin: unknown.
Comment: This variant is considered benign. This variant is a silent/synonymous amino acid change and it is not expected to impact splicing.

NM_000548.5(TSC2):c.4245G>A (p.Lys1415=)

Gene: TSC2 (TSC complex subunit 2; plus strand). Cytogenetic location: 16p13.3.
Variant type: single nucleotide variant.
Coding change: c.4245G>A on transcript NM_000548.5 (MANE Select); coding-DNA position 4245, G replaced by A.
Protein change: p.Lys1415=; no amino-acid change (lysine 1415 retained).
Molecular consequence: synonymous variant. On other transcripts: non-coding transcript variant (5).
Genome position (GRCh38, 1-based): chr16:2,084,467, G>A. VCF-style: chr16-2084467-G-A. GRCh37 (hg19) VCF-style: chr16-2134468-G-A.
Other names: c.3933G>A, p.Lys1311= (NM_001406678.1); c.3897G>A, p.Lys1299= (NM_001406679.1); c.3576G>A, p.Lys1192= (NM_001406683.1, NM_001406682.1); c.3573G>A, p.Lys1191= (NM_001406684.1); c.3447G>A, p.Lys1149= (NM_001406685.1, NM_001406686.1); c.3444G>A, p.Lys1148= (NM_001406687.1, NM_001406688.1); c.3645G>A, p.Lys1215= (NM_001406680.1); c.3585G>A, p.Lys1195= (NM_001406681.1); and 26 more.
Identifiers: ClinVar variation 4071290 (VCV004071290.1).